The following is an entry in ClinVar:

ClinVar aggregate classification (germline): Uncertain significance (1 of 4 stars; one submission).

Conditions:
Pseudohypoaldosteronism type 2B (PHA2B). Also called: Pseudohypoaldosteronism Type IIB. Identifiers: Orphanet 757, Orphanet 88939, MedGen C1840390, MONDO:0013777, OMIM 614491.

gnomAD v4.1: 6 of 1,613,990 alleles (0.00037%); highest among the groups gnomAD compares: Middle Eastern, 0.016%; no homozygotes.

Submission:

MVZ Medizinische Genetik Mainz
Classification: Uncertain significance for Pseudohypoaldosteronism type 2B. Last evaluated: 2026-08-04. Review status: criteria provided, single submitter. Criteria: UK Practice Guidelines For Variant Classification V4 01 2020. Collection method: clinical testing. Allele origin: germline. Inheritance: Autosomal dominant inheritance. Affected: yes. Observed: 1 variant allele.
Comment: ACMG Criteria: PM2_SUP,PP3

NM_032387.5(WNK4):c.1226T>C (p.Ile409Thr)

Gene: WNK4 (WNK lysine deficient protein kinase 4; plus strand). Cytogenetic location: 17q21.2.
Variant type: single nucleotide variant.
Coding change: c.1226T>C on transcript NM_032387.5 (MANE Select); coding-DNA position 1226, T replaced by C.
Protein change: p.Ile409Thr; replaces isoleucine 409 with threonine.
Molecular consequence: missense variant. On other transcripts: intron variant (1).
Genome position (GRCh38, 1-based): chr17:42,785,152, T>C. VCF-style: chr17-42785152-T-C. GRCh37 (hg19) VCF-style: chr17-40937170-T-C.
Other names: c.252-114T>C (NM_001321299.2); short protein forms I409T.
Identifiers: ClinVar variation 4887011 (VCV004887011.1).